The following is an entry in ClinVar:

NM_199420.4(POLQ):c.3156G>T (p.Arg1052Ser)

Gene: POLQ (DNA polymerase theta; minus strand). Cytogenetic location: 3q13.33.
Variant type: single nucleotide variant.
Coding change: c.3156G>T on transcript NM_199420.4 (MANE Select); coding-DNA position 3156, G replaced by T.
Protein change: p.Arg1052Ser; replaces arginine 1052 with serine.
Molecular consequence: missense variant.
Genome position (GRCh38, 1-based): chr3:121,489,775, C>A on the plus strand (G>T on the coding strand, the complement: POLQ is on the minus strand). VCF-style: chr3-121489775-C-A. GRCh37 (hg19) VCF-style: chr3-121208622-C-A.
Other names: short protein forms R1052S.
Identifiers: ClinVar variation 2563816 (VCV002563816.2), dbSNP rs2048049853, ClinGen allele CA354101509.

ClinVar aggregate classification (germline): Uncertain significance (1 of 4 stars; one submission).

Submission:

Ambry Genetics
Classification: Uncertain significance. Last evaluated: 2023-04-28. Review status: criteria provided, single submitter. Criteria: Ambry Variant Classification Scheme 2023. Collection method: clinical testing. Allele origin: germline.
Comment: The p.R1052S variant (also known as c.3156G>T), located in coding exon 16 of the POLQ gene, results from a G to T substitution at nucleotide position 3156. The arginine at codon 1052 is replaced by serine, an amino acid with dissimilar properties. This amino acid position is conserved. In addition, this alteration is predicted to be tolerated by in silico analysis. Since supporting evidence is limited at this time, the clinical significance of this alteration remains unclear.